The following is an entry in ClinVar:

ClinVar aggregate classification (germline): Uncertain significance (1 of 4 stars; one submission).

Allele frequency attached by ClinVar (database versions not stated): gnomAD 0.00001; gnomAD exomes 0.00002; ExAC 0.00003.
gnomAD v4.1: 26 of 1,613,264 alleles (0.0016%); highest among the groups gnomAD compares: South Asian, 0.018%; no homozygotes.

Submission:

Labcorp Genetics (formerly Invitae), Labcorp
Classification: Uncertain significance. Last evaluated: 2021-03-25. Review status: criteria provided, single submitter. Criteria: Invitae Variant Classification Sherloc (09022015). Collection method: clinical testing. Allele origin: germline.
Comment: This variant is present in population databases (rs755705384, ExAC 0.01%). In summary, the available evidence is currently insufficient to determine the role of this variant in disease. Therefore, it has been classified as a Variant of Uncertain Significance. Algorithms developed to predict the effect of missense changes on protein structure and function output the following: SIFT: "Tolerated"; PolyPhen-2: "Not Available"; Align-GVGD: "Class C0". The leucine amino acid residue is found in multiple mammalian species, suggesting that this missense change does not adversely affect protein function. These predictions have not been confirmed by published functional studies and their clinical significance is uncertain. This variant has not been reported in the literature in individuals with UMOD-related conditions. This sequence change replaces serine with leucine at codon 632 of the UMOD protein (p.Ser632Leu). The serine residue is moderately conserved and there is a large physicochemical difference between serine and leucine.

NM_003361.4(UMOD):c.1895C>T (p.Ser632Leu)

Gene: UMOD (uromodulin; minus strand). Cytogenetic location: 16p12.3.
Variant type: single nucleotide variant.
Coding change: c.1895C>T on transcript NM_003361.4 (MANE Select); coding-DNA position 1895, C replaced by T.
Protein change: p.Ser632Leu; replaces serine 632 with leucine.
Molecular consequence: missense variant. On other transcripts: non-coding transcript variant (1).
Genome position (GRCh38, 1-based): chr16:20,333,342, G>A on the plus strand (C>T on the coding strand, the complement: UMOD is on the minus strand). VCF-style: chr16-20333342-G-A. GRCh37 (hg19) VCF-style: chr16-20344664-G-A.
Other names: c.1895C>T, p.Ser632Leu (NM_001008389.3, NM_001378232.1, NM_001378233.1); c.1994C>T, p.Ser665Leu (NM_001278614.2); c.2036C>T, p.Ser679Leu (NM_001378234.1, NM_001378235.1); short protein forms S679L, S632L, S665L.
Identifiers: ClinVar variation 1359109 (VCV001359109.8), dbSNP rs755705384, ClinGen allele CA7938983.
Genomic context (GRCh38, chr16:20,333,342, plus strand): 5'-CAGCCATGGAGCACAGGGCTTTCCGCTGTCAGTCACTGAAAAGTCAGGGTCAAGGTGGCC[G>A]AGAGAAGCAGAGGCAGCCAGACTTTCAGGAGCCCTGAAAAGAAAACAGTGACAGGGCAAC-3'
Protein context (NP_003352.2, residues 622-640): LLKVWLPLLL[Ser632Leu]ATLTLTFQ